The following is an entry in ClinVar:

ClinVar aggregate classification (germline): Uncertain significance (1 of 4 stars; one submission).

Conditions:
Hereditary cancer-predisposing syndrome. Also called: Tumor predisposition; Hereditary Cancer Syndrome; Hereditary neoplastic syndrome; Neoplastic Syndromes, Hereditary. Identifiers: Orphanet 140162, MedGen C0027672, MeSH D009386, MONDO:0015356.

Submission:

Ambry Genetics
Classification: Uncertain significance for Hereditary cancer-predisposing syndrome. Last evaluated: 2025-09-26. Review status: criteria provided, single submitter. Criteria: Ambry Variant Classification Scheme 2023. Collection method: clinical testing. Allele origin: germline.
Comment: The c.739_740delGCinsAA variant, located in coding exon 4 of the RET gene, results from an in-frame deletion of GC and insertion of AA at nucleotide positions 739 to 740. This results in the substitution of the alanine residue for an asparagine residue at codon 247, an amino acid with dissimilar properties. This amino acid position is poorly conserved in available vertebrate species. In addition, this variant is predicted to be neutral by in silico analysis (Choi Y et al. PLoS ONE. 2012; 7(10):e46688). Based on the available evidence, the clinical significance of this variant remains unclear.

NM_020975.6(RET):c.739_740delinsAA (p.Ala247Asn)

Gene: RET (ret proto-oncogene; plus strand). Cytogenetic location: 10q11.21.
Variant type: Indel.
Coding change: c.739_740delinsAA on transcript NM_020975.6 (MANE Select); coding-DNA positions 739 to 740, GC replaced by AA.
Protein change: p.Ala247Asn; replaces alanine 247 with asparagine.
Molecular consequence: missense variant. On other transcripts: 5 prime UTR variant (1), intron variant (22).
Genome position (GRCh38, 1-based): chr10:43,105,065-43,105,066, GC replaced by AA. VCF-style: chr10-43105065-GC-AA. GRCh37 (hg19) VCF-style: chr10-43600513-GC-AA.
Other names: c.-24_-23delinsAA (NM_001355216.2); c.739_740delinsAA, p.Ala247Asn (NM_001406743.1, NM_001406744.1, NM_001406759.1 and 6 more transcripts); c.610_611delinsAA, p.Ala204Asn (NM_001406761.1, NM_001406762.1, NM_001406764.1 and 2 more transcripts); c.451_452delinsAA, p.Ala151Asn (NM_001406766.1, NM_001406767.1, NM_001406770.1); c.625+2436_625+2437delinsAA (NM_001406773.1, NM_001406771.1, NM_001406782.1 and 5 more transcripts); c.496+2436_496+2437delinsAA (NM_001406786.1, NM_001406783.1); c.338-3966_338-3965delinsAA (NM_001406778.1, NM_001406775.1, NM_001406776.1 and 1 more transcripts); c.337+4343_337+4344delinsAA (NM_001406790.1, NM_001406788.1, NM_001406789.1 and 1 more transcripts); and 2 more; short protein forms A151N, A204N, A247N.
Identifiers: ClinVar variation 4545342 (VCV004545342.1).